The following is an entry in ClinVar:

ClinVar aggregate classification (germline): Uncertain significance (1 of 4 stars; one submission).

Conditions:
Nephronophthisis 20 (NPHP20). Identifiers: MedGen C4310640, MONDO:0014997, OMIM 617271.

Submission:

MVZ Medizinische Genetik Mainz
Classification: Uncertain significance for Nephronophthisis 20. Last evaluated: 2025-07-28. Review status: criteria provided, single submitter. Criteria: UK Practice Guidelines For Variant Classification V4 01 2020. Collection method: clinical testing. Allele origin: germline. Inheritance: Autosomal recessive inheritance. Affected: yes. Observed: 1 variant allele.
Comment: ACMG Criteria: PVS1_MOD,PM2_SUP

NM_014994.3(MAPKBP1):c.1586-2A>C

Gene: MAPKBP1 (mitogen-activated protein kinase binding protein 1; plus strand). Cytogenetic location: 15q15.1.
Variant type: single nucleotide variant.
Coding change: c.1586-2A>C on transcript NM_014994.3 (MANE Select); the canonical splice acceptor site of the intron before coding-DNA position 1586, A replaced by C.
Molecular consequence: splice acceptor variant.
Genome position (GRCh38, 1-based): chr15:41,816,908, A>C. VCF-style: chr15-41816908-A-C. GRCh37 (hg19) VCF-style: chr15-42109106-A-C.
Other names: c.1604-2A>C (NM_001128608.2); c.1586-2A>C (NM_001265611.2).
Identifiers: ClinVar variation 4077075 (VCV004077075.1).
Genomic context (GRCh38, chr15:41,816,908, plus strand): 5'-GCCAGGCCCAGATAAGGGCTGTTCAGGGCACTCATGGGCTGATGGAGTTCTTTCATCCCC[A>C]GGTCTGAAACTGCTAGCATCGGCGAGCCGGGACCGGCTGATCCATGTGCTGGATGCCGGG-3'